The following is an entry in ClinVar:

NM_000049.4(ASPA):c.876_879del (p.Glu293fs)

Genes: ASPA (aspartoacylase; plus strand), SPATA22 (spermatogenesis associated 22; minus strand). Cytogenetic location: 17p13.2.
Variant type: Microsatellite.
Coding change: c.876_879del on transcript NM_000049.4 (MANE Select); coding-DNA positions 876 to 879, 4 bases deleted (AGAA; older notation c.876_879delAGAA).
Protein change: p.Glu293fs; shifts the reading frame from glutamic acid 293.
Molecular consequence: frameshift variant. On other transcripts: intron variant (2).
Genome position (GRCh38, 1-based): chr17:3,499,022-3,499,025, AGAA deleted; deleting any 4 consecutive bases within chr17:3,499,016-3,499,025 gives the same sequence; the c. name uses the placement nearest the transcript's 3' end. VCF-style (leftmost placement, unchanged base first): chr17-3499015-AAAAG-A. GRCh37 (hg19) VCF-style: chr17-3402309-AAAAG-A.
Other names: c.876_879del (NM_000049.2); c.876_879del, p.Glu293fs (NM_001128085.1); c.-74+14393_-74+14396del (NM_001321336.2, NM_001321337.2); c.876_879delAGAA (NM_001128085.1); short protein forms E293fs.
Identifiers: ClinVar variation 371665 (VCV000371665.24), dbSNP rs766720790, ClinGen allele CA8289057.
Genomic context (GRCh38, chr17:3,499,015, plus strand): 5'-TCCCACTGGGCGGAGACTGTACCGTGTACCCCGTGTTTGTGAATGAGGCCGCATATTACG[AAAAG>A]AAAGAAGCTTTTGCAAAGACAACTAAACTAACGCTCAATGCAAAAAGTATTCGCTGCTGT-3'

ClinVar aggregate classification (germline): Pathogenic/Likely pathogenic. Review status: criteria provided, multiple submitters, no conflicts (2 of 4 stars). 9 submissions from 9 submitters: Pathogenic (6); Likely pathogenic (1). 2 of the submissions do not count toward it. Last evaluated 2025-07-13.

Conditions:
Spongy degeneration of central nervous system. Also called: Canavan disease; AMINOACYLASE 2 DEFICIENCY; ACY2 DEFICIENCY; ASP DEFICIENCY; ASPA DEFICIENCY; ASPARTOACYLASE DEFICIENCY. Identifiers: Orphanet 141, MedGen C0206307, MONDO:0010079, OMIM 271900.
ASPA-related disorder. Also called: ASPA-related condition.
Canavan Disease, Familial Form. Identifiers: MedGen C0751663.

Submissions (9):

Natera, Inc.
Classification: Pathogenic for Canavan Disease. Last evaluated: 2025-07-13. Review status: criteria provided, single submitter. Criteria: Natera Variant Classification Schema (03/2026). Collection method: clinical testing. Allele origin: germline.
Comment: The c.876_879delAGAA variant in ASPA is a frameshift variant predicted to shift the reading frame beginning at codon 293 and leads to a stop codon 8 codons downstream. This variant is expected to result in nonsense mediated decay, truncation, or a dysfunctional protein product. This variant is rare in the general population with a frequency below the threshold expected for the associated phenotype(s). This variant has been observed in one or more individuals affected with the associated recessive disease, as either homozygous or compound heterozygous with a second variant (PMID: 16802711, 7564250). Functional studies show that this variant may disrupt protein function (PMID: 8659549). Given the available evidence, this variant is classified as Pathogenic.

PreventionGenetics, part of Exact Sciences
Classification: Pathogenic for ASPA-related condition. Last evaluated: 2024-11-29. Review status: criteria provided, single submitter. Criteria: ACMG Guidelines, 2015. Collection method: clinical testing. Allele origin: germline.
Comment: The ASPA c.876_879delAGAA variant is predicted to result in a frameshift and premature protein termination (p.Glu293Leufs*8). This variant, also referred to as 876 delAGAA in the literature, has been reported in the homozygous state or with a second ASPA variant in individuals with Canavan disease (Kaul et al. 1996. PubMed ID: 8659549; Table S2, Kaur et al. 2021. PubMed ID: 34302356; Zeng et al. 2002. PubMed ID: 12638939). An in vitro functional study using COS1 cells was unable to detect any enzyme activity when this variant was transiently expressed (Kaul et al. 1996. PubMed ID: 8659549). This variant is reported in 0.0018% of alleles in individuals of European (non-Finnish) descent in gnomAD. Frameshift variants in ASPA are expected to be pathogenic. This variant is interpreted as pathogenic.

GeneDx
Classification: Pathogenic. Last evaluated: 2024-09-17. Review status: criteria provided, single submitter. Criteria: GeneDx Variant Classification Process June 2021. Collection method: clinical testing. Allele origin: germline. Affected: yes.
Comment: Published expression studies found this variant is associated with undetectable to <0.5% of residual enzyme activity compared to wild-type (PMID: 8659549); Frameshift variant predicted to result in abnormal protein length as the last 21 amino acid(s) are replaced with 7 different amino acid(s), and other similar variants have been reported in HGMD; Not observed at significant frequency in large population cohorts (gnomAD); This variant is associated with the following publications: (PMID: 34426522, 31589614, 10407784, 12638939, 8659549, 34302356)

Labcorp Genetics (formerly Invitae), Labcorp
Classification: Pathogenic for Spongy degeneration of central nervous system. Last evaluated: 2023-12-13. Review status: criteria provided, single submitter. Criteria: Invitae Variant Classification Sherloc (09022015). Collection method: clinical testing. Allele origin: germline.
Comment: This sequence change creates a premature translational stop signal (p.Glu293Leufs*8) in the ASPA gene. While this is not anticipated to result in nonsense mediated decay, it is expected to disrupt the last 21 amino acid(s) of the ASPA protein. This variant is present in population databases (rs766720790, gnomAD 0.002%). This premature translational stop signal has been observed in individual(s) with Canavan disease (PMID: 8659549). In at least one individual the data is consistent with being in trans (on the opposite chromosome) from a pathogenic variant. This variant is also known as 876 delAGAA. ClinVar contains an entry for this variant (Variation ID: 371665). Algorithms developed to predict the effect of variants on protein structure and function are not available or were not evaluated for this variant. Experimental studies have shown that this premature translational stop signal affects ASPA function (PMID: 8659549). This variant disrupts the p.Ala305 amino acid residue in ASPA. Other variant(s) that disrupt this residue have been determined to be pathogenic (PMID: 8023850, 10909858, 16217711, 22850825). This suggests that this residue is clinically significant, and that variants that disrupt this residue are likely to be disease-causing. For these reasons, this variant has been classified as Pathogenic.

Genome-Nilou Lab
Classification: Pathogenic for Spongy degeneration of central nervous system. Last evaluated: 2021-11-07. Review status: criteria provided, single submitter. Criteria: ACMG Guidelines, 2015. Collection method: clinical testing. Allele origin: germline. Affected: no.

Women's Health and Genetics/Laboratory Corporation of America, LabCorp
Classification: Pathogenic for Canavan Disease, Familial Form. Last evaluated: 2021-03-13. Review status: criteria provided, single submitter. Criteria: LabCorp Variant Classification Summary - May 2015. Collection method: clinical testing. Allele origin: germline.
Comment: Variant summary: ASPA c.876_879delAGAA (p.Glu293LeufsX8) results in a premature termination codon, predicted to cause a truncation of the encoded protein or absence of the protein due to nonsense mediated decay, which are commonly known mechanisms for disease. The variant allele was found at a frequency of 8e-06 in 251438 control chromosomes. c.876_879delAGAA has been reported in the literature in individuals affected with Canavan Disease (example, Kaul_1996, Zeng_2002). These data indicate that the variant is likely to be associated with disease. At least one publication reports experimental evidence evaluating an impact on protein function. The most pronounced variant effect results in undetectable ASPA enzyme activity in-vitro (example, Kaul_1996). Four clinical diagnostic laboratories have submitted clinical-significance assessments for this variant to ClinVar after 2014 without evidence for independent evaluation. All laboratories classified the variant as pathogenic/likely pathogenic. Based on the evidence outlined above, the variant was classified as pathogenic.

Laboratory for Molecular Medicine, Mass General Brigham Personalized Medicine
Classification: Likely pathogenic for Spongy degeneration of central nervous system. Last evaluated: 2016-07-13. Review status: criteria provided, single submitter. Criteria: LMM Criteria. Collection method: clinical testing. Allele origin: germline. Inheritance: Autosomal recessive inheritance. Observed: 1 variant allele.
Comment: The p.Glu293fs variant in ASPA has been reported in 3 individuals with Canavan d isease, including at least one compound heterozygote (Kaul 1996). This variant h as been identified in 1/66340 of European chromosomes by the Exome Aggregation C onsortium (ExAC). In vitro assays suggest that t his variant abolished ASPA protein activity (Kaul 1996); however, these types of assays may not accurately represent biological function. This variant is predic ted to cause a frameshift, which alters the protein?s amino acid sequence beginn ing at position 293 and leads to a premature termination codon 8 amino acids dow nstream. This termination codon occurs within the last exon and is more likely t o escape nonsense mediated decay (NMD) and result in a truncated protein. In sum mary, although additional studies are required to fully establish its clinical s ignificance, the p.Glu293fs variant is likely pathogenic.

Counsyl
Classification: Likely pathogenic for Spongy degeneration of central nervous system. Last evaluated: 2016-11-11. Review status: no assertion criteria provided. Collection method: clinical testing. Allele origin: unknown. Not counted in ClinVar's aggregate classification.

OMIM
Classification: Pathogenic for CANAVAN DISEASE. Last evaluated: 1996-07-01. Review status: no assertion criteria provided. Collection method: literature only. Allele origin: germline. Not counted in ClinVar's aggregate classification.

Literature cited by the submitters: PubMed 16802711 (cited by Natera, Inc.); PubMed 7564250 (cited by Natera, Inc.); PubMed 8659549 (cited by 6 submitters); PubMed 8023850 (cited by Labcorp Genetics (formerly Invitae), Labcorp); PubMed 10909858 (cited by Labcorp Genetics (formerly Invitae), Labcorp); PubMed 16217711 (cited by Labcorp Genetics (formerly Invitae), Labcorp); PubMed 22850825 (cited by Labcorp Genetics (formerly Invitae), Labcorp); PubMed 10407784 (cited by Women's Health and Genetics/Laboratory Corporation of America, LabCorp); PubMed 12638939 (cited by Women's Health and Genetics/Laboratory Corporation of America, LabCorp).